The following is an entry in ClinVar:

NM_000038.6(APC):c.4446dup (p.Pro1483fs)

Gene: APC (APC regulator of Wnt signaling pathway; plus strand). Cytogenetic location: 5q22.2.
Variant type: Duplication.
Coding change: c.4446dup on transcript NM_000038.6 (MANE Select); coding-DNA position 4446, one base duplicated (T; older notation c.4446dupT).
Protein change: p.Pro1483fs; shifts the reading frame from proline 1483.
Molecular consequence: frameshift variant. On other transcripts: non-coding transcript variant (2).
Genome position (GRCh38, 1-based): chr5:112,840,040, T duplicated; the last of 2 consecutive T bases (chr5:112,840,039-112,840,040); duplicating either gives the same sequence. VCF-style (leftmost placement, unchanged base first): chr5-112840038-C-CT. GRCh37 (hg19) VCF-style: chr5-112175735-C-CT.
Other names: c.4446dup, p.Pro1483fs (NM_001127510.3, NM_001354895.2, NM_001407450.1); c.4392dup, p.Pro1465fs (NM_001127511.3); c.4500dup, p.Pro1501fs (NM_001354896.2, NM_001407447.1, NM_001407448.1 and 1 more transcripts); c.4476dup, p.Pro1493fs (NM_001354897.2); c.4371dup, p.Pro1458fs (NM_001354898.2); c.4362dup, p.Pro1455fs (NM_001354899.2); c.4323dup, p.Pro1442fs (NM_001354900.2); c.4269dup, p.Pro1424fs (NM_001354901.2, NM_001407453.1); and 11 more; short protein forms P1200fs, P1323fs, P1354fs, P1392fs, P1442fs, P1473fs, P1493fs, P1455fs.
Identifiers: ClinVar variation 3727289 (VCV003727289.2).
Genomic context (GRCh38, chr5:112,840,038, plus strand): 5'-AAGAGAGAGAGTGGACCTAAGCAAGCTGCAGTAAATGCTGCAGTTCAGAGGGTCCAGGTT[C>CT]TTCCAGATGCTGATACTTTATTACATTTTGCCACGGAAAGTACTCCAGATGGATTTTCTT-3'

ClinVar aggregate classification (germline): Pathogenic (1 of 4 stars; one submission).

Conditions:
Familial adenomatous polyposis 1 (FAP1). Also called: FAMILIAL ADENOMATOUS POLYPOSIS 1, ATTENUATED; POLYPOSIS, ADENOMATOUS INTESTINAL. Identifiers: MedGen C2713442, MONDO:0021056, OMIM 175100. Disease mechanism: loss of function.

Submission:

Labcorp Genetics (formerly Invitae), Labcorp
Classification: Pathogenic for Familial adenomatous polyposis 1. Last evaluated: 2024-12-15. Review status: criteria provided, single submitter. Criteria: Invitae Variant Classification Sherloc (09022015). Collection method: clinical testing. Allele origin: germline.
Comment: This sequence change creates a premature translational stop signal (p.Pro1483Serfs*4) in the APC gene. While this is not anticipated to result in nonsense mediated decay, it is expected to disrupt the last 1361 amino acid(s) of the APC protein. This variant is not present in population databases (gnomAD no frequency). This variant has not been reported in the literature in individuals affected with APC-related conditions. A different truncation (p.Tyr2645Lysfs*14) that lies downstream of this variant has been determined to be pathogenic (PMID: 9824584, 1316610, 27081525, 8381579, 22135120, internal data). This suggests that deletion of this region of the APC protein is causative of disease. This variant is expected to disrupt the EB1 and HDLG binding sites, which mediate interactions with the cytoskeleton (PMID: 15311282, 17293347). While functional studies have not been performed to directly test the effect on APC protein function, this suggests that disruption of the C-terminal portion of the protein is functionally important. For these reasons, this variant has been classified as Pathogenic.

Literature cited by the submitters: PubMed 9824584; PubMed 1316610; PubMed 27081525; PubMed 8381579; PubMed 22135120; PubMed 15311282; PubMed 17293347.